The following is an entry in ClinVar:

ClinVar aggregate classification (germline): Uncertain significance (1 of 4 stars; one submission).

Conditions:
Hereditary cancer-predisposing syndrome. Also called: Tumor predisposition; Hereditary Cancer Syndrome; Hereditary neoplastic syndrome; Neoplastic Syndromes, Hereditary. Identifiers: Orphanet 140162, MedGen C0027672, MeSH D009386, MONDO:0015356.

Submission:

Labcorp Genetics (formerly Invitae), Labcorp
Classification: Uncertain significance for Hereditary cancer-predisposing syndrome. Last evaluated: 2021-09-15. Review status: criteria provided, single submitter. Criteria: Invitae Variant Classification Sherloc (09022015). Collection method: clinical testing. Allele origin: germline.
Comment: In summary, the available evidence is currently insufficient to determine the role of this variant in disease. Therefore, it has been classified as a Variant of Uncertain Significance. Algorithms developed to predict the effect of missense changes on protein structure and function (SIFT, PolyPhen-2, Align-GVGD) all suggest that this variant is likely to be tolerated. This variant has not been reported in the literature in individuals affected with RAD50-related conditions. This variant is not present in population databases (ExAC no frequency). This sequence change replaces valine with alanine at codon 632 of the RAD50 protein (p.Val632Ala). The valine residue is moderately conserved and there is a small physicochemical difference between valine and alanine.

NM_005732.4(RAD50):c.1895T>C (p.Val632Ala)

Gene: RAD50 (RAD50 double strand break repair protein; plus strand). Cytogenetic location: 5q31.1.
Variant type: single nucleotide variant.
Coding change: c.1895T>C on transcript NM_005732.4 (MANE Select); coding-DNA position 1895, T replaced by C.
Protein change: p.Val632Ala; replaces valine 632 with alanine.
Molecular consequence: missense variant.
Genome position (GRCh38, 1-based): chr5:132,594,970, T>C. VCF-style: chr5-132594970-T-C. GRCh37 (hg19) VCF-style: chr5-131930662-T-C.
Other names: short protein forms V632A.
Identifiers: ClinVar variation 1466572 (VCV001466572.6), dbSNP rs2149843732, ClinGen allele CA360948048.